The following is an entry in ClinVar:

ClinVar aggregate classification (germline): Pathogenic (1 of 4 stars; one submission).

Allele frequency attached by ClinVar (database versions not stated): TOPMed below 0.00001.

Submission:

Labcorp Genetics (formerly Invitae), Labcorp
Classification: Pathogenic. Last evaluated: 2021-05-20. Review status: criteria provided, single submitter. Criteria: Invitae Variant Classification Sherloc (09022015). Collection method: clinical testing. Allele origin: germline.
Comment: For these reasons, this variant has been classified as Pathogenic. This sequence change creates a premature translational stop signal (p.Gln6*) in the ABCA1 gene. It is expected to result in an absent or disrupted protein product. Loss-of-function variants in ABCA1 are known to be pathogenic (PMID: 10525055, 10760292, 20880529). This variant is not present in population databases (ExAC no frequency). This variant has not been reported in the literature in individuals with ABCA1-related conditions.

Literature cited by the submitters: PubMed 10525055; PubMed 10760292; PubMed 20880529.

NM_005502.4(ABCA1):c.16C>T (p.Gln6Ter)

Gene: ABCA1 (ATP binding cassette subfamily A member 1; minus strand). Cytogenetic location: 9q31.1.
Variant type: single nucleotide variant.
Coding change: c.16C>T on transcript NM_005502.4 (MANE Select); coding-DNA position 16, C replaced by T.
Protein change: p.Gln6Ter; replaces glutamine 6 with a stop codon.
Molecular consequence: nonsense.
Genome position (GRCh38, 1-based): chr9:104,903,664, G>A on the plus strand (C>T on the coding strand, the complement: ABCA1 is on the minus strand). VCF-style: chr9-104903664-G-A. GRCh37 (hg19) VCF-style: chr9-107665945-G-A.
Other names: short protein forms Q6*.
Identifiers: ClinVar variation 1456561 (VCV001456561.6), dbSNP rs1840850607, ClinGen allele CA374319069.